The following is an entry in ClinVar:

NM_170606.3(KMT2C):c.11124C>T (p.Ser3708=)

Gene: KMT2C (lysine methyltransferase 2C; minus strand). Cytogenetic location: 7q36.1.
Variant type: single nucleotide variant.
Coding change: c.11124C>T on transcript NM_170606.3 (MANE Select); coding-DNA position 11124, C replaced by T.
Protein change: p.Ser3708=; no amino-acid change (serine 3708 retained).
Molecular consequence: synonymous variant.
Genome position (GRCh38, 1-based): chr7:152,162,453, G>A on the plus strand (C>T on the coding strand, the complement: KMT2C is on the minus strand). VCF-style: chr7-152162453-G-A. GRCh37 (hg19) VCF-style: chr7-151859538-G-A.
Identifiers: ClinVar variation 2658202 (VCV002658202.24), dbSNP rs1214001378, ClinGen allele CA458885668.

ClinVar aggregate classification (germline): Likely benign (1 of 4 stars; one submission).

Allele frequency attached by ClinVar (database versions not stated): gnomAD exomes below 0.00001; TOPMed below 0.00001; gnomAD 0.00001.
gnomAD v4.1: 4 of 1,614,110 alleles (0.00025%); highest among the groups gnomAD compares: Non-Finnish European, 0.00034%; no homozygotes.

Submission:

CeGaT Center for Human Genetics Tuebingen
Classification: Likely benign. Last evaluated: 2023-09-01. Review status: criteria provided, single submitter. Criteria: CeGaT Center For Human Genetics Tuebingen Variant Classification Criteria Version 2. Collection method: clinical testing. Allele origin: germline. Affected: yes. Observed: 1 variant allele.
Comment: KMT2C: BP4, BP7